The following is an entry in ClinVar:

ClinVar aggregate classification (germline): Uncertain significance (1 of 4 stars; one submission).

Submission:

Labcorp Genetics (formerly Invitae), Labcorp
Classification: Uncertain significance. Last evaluated: 2025-03-04. Review status: criteria provided, single submitter. Criteria: Invitae Variant Classification Sherloc (09022015). Collection method: clinical testing. Allele origin: germline.
Comment: This sequence change replaces leucine, which is neutral and non-polar, with valine, which is neutral and non-polar, at codon 423 of the SIAE protein (p.Leu423Val). This variant is not present in population databases (gnomAD no frequency). This variant has not been reported in the literature in individuals affected with SIAE-related conditions. An algorithm developed to predict the effect of missense changes on protein structure and function outputs the following: PolyPhen-2: "Benign". The valine amino acid residue is found in multiple mammalian species, which suggests that this missense change does not adversely affect protein function. In summary, the available evidence is currently insufficient to determine the role of this variant in disease. Therefore, it has been classified as a Variant of Uncertain Significance.

NM_170601.5(SIAE):c.1267C>G (p.Leu423Val)

Gene: SIAE (sialic acid acetylesterase; minus strand). Cytogenetic location: 11q24.2.
Variant type: single nucleotide variant.
Coding change: c.1267C>G on transcript NM_170601.5 (MANE Select); coding-DNA position 1267, C replaced by G.
Protein change: p.Leu423Val; replaces leucine 423 with valine.
Molecular consequence: missense variant.
Genome position (GRCh38, 1-based): chr11:124,638,595, G>C on the plus strand (C>G on the coding strand, the complement: SIAE is on the minus strand). VCF-style: chr11-124638595-G-C. GRCh37 (hg19) VCF-style: chr11-124508491-G-C.
Other names: c.1162C>G, p.Leu388Val (NM_001199922.2); short protein forms L388V, L423V.
Identifiers: ClinVar variation 4780838 (VCV004780838.1).